The following is an entry in ClinVar:

NM_001127222.2(CACNA1A):c.6365A>G (p.Lys2122Arg)

Gene: CACNA1A (calcium voltage-gated channel subunit alpha1 A; minus strand). Cytogenetic location: 19p13.13.
Variant type: single nucleotide variant.
Coding change: c.6365A>G on transcript NM_001127222.2 (MANE Select); coding-DNA position 6365, A replaced by G.
Protein change: p.Lys2122Arg; replaces lysine 2122 with arginine.
Molecular consequence: missense variant.
Genome position (GRCh38, 1-based): chr19:13,209,473, T>C on the plus strand (A>G on the coding strand, the complement: CACNA1A is on the minus strand). VCF-style: chr19-13209473-T-C. GRCh37 (hg19) VCF-style: chr19-13320287-T-C.
Other names: c.6383A>G, p.Lys2128Arg (NM_000068.4, NM_023035.3); c.6368A>G, p.Lys2123Arg (NM_001127221.2); c.6374A>G, p.Lys2125Arg (NM_001174080.2); short protein forms K2122R, K2123R, K2125R, K2128R.
Identifiers: ClinVar variation 1697017 (VCV001697017.3), dbSNP rs2144506548, ClinGen allele CA404331107.

ClinVar aggregate classification (germline): Uncertain significance (1 of 4 stars; one submission).

Submission:

GeneDx
Classification: Uncertain significance. Last evaluated: 2025-07-14. Review status: criteria provided, single submitter. Criteria: GeneDx Variant Classification Process June 2021. Collection method: clinical testing. Allele origin: germline. Affected: yes.
Comment: Not observed at significant frequency in large population cohorts (gnomAD); In silico analysis suggests that this missense variant does not alter protein structure/function; Has not been previously published as pathogenic or benign to our knowledge